The following is an entry in ClinVar:

ClinVar aggregate classification (germline): Uncertain significance (1 of 4 stars; one submission).

Submission:

Labcorp Genetics (formerly Invitae), Labcorp
Classification: Uncertain significance. Last evaluated: 2020-01-23. Review status: criteria provided, single submitter. Criteria: Invitae Variant Classification Sherloc (09022015). Collection method: clinical testing. Allele origin: germline.
Comment: In summary, the available evidence is currently insufficient to determine the role of this variant in disease. Therefore, it has been classified as a Variant of Uncertain Significance. Experimental studies and prediction algorithms are not available or were not evaluated, and the functional significance of this variant is currently unknown. This variant has not been reported in the literature in individuals with POLE-related conditions. This variant is not present in population databases (ExAC no frequency). This variant, c.3628_3630del, results in the deletion of 1 amino acid(s) of the POLE protein (p.Pro1210del), but otherwise preserves the integrity of the reading frame.

NM_006231.4(POLE):c.3628_3630del (p.Pro1210del)

Gene: POLE (DNA polymerase epsilon, catalytic subunit; minus strand). Cytogenetic location: 12q24.33.
Variant type: Deletion.
Coding change: c.3628_3630del on transcript NM_006231.4 (MANE Select); coding-DNA positions 3628 to 3630, 3 bases deleted (CCT; older notation c.3628_3630delCCT).
Protein change: p.Pro1210del; deletes proline 1210.
Molecular consequence: inframe deletion.
Genome position (GRCh38, 1-based): chr12:132,649,842-132,649,844, AGG deleted on the plus strand (CCT on the coding strand, the reverse complement: POLE is on the minus strand); deleting any 3 consecutive bases within chr12:132,649,842-132,649,846 gives the same sequence; the c. name uses the placement nearest the transcript's 3' end. VCF-style (leftmost placement, unchanged base first): chr12-132649841-CAGG-C. GRCh37 (hg19) VCF-style: chr12-133226427-CAGG-C.
Other names: short protein forms P1210del.
Identifiers: ClinVar variation 1042121 (VCV001042121.9), dbSNP rs2042382798, ClinGen allele CA2072989824.